The following is an entry in ClinVar:

ClinVar aggregate classification (germline): Uncertain significance. Review status: criteria provided, multiple submitters, no conflicts (2 of 4 stars). 2 submissions from 2 submitters: Uncertain significance (2). Last evaluated 2025-08-13.

Conditions:
Inborn genetic diseases. Identifiers: MedGen C0950123, MeSH D030342.

Allele frequency attached by ClinVar (database versions not stated): gnomAD exomes 0.00001 and 0.00005; TOPMed 0.00002; gnomAD 0.00003.
gnomAD v4.1: 84 of 1,613,118 alleles (0.0052%); highest among the groups gnomAD compares: Non-Finnish European, 0.0067%; no homozygotes.

Submissions (2):

Labcorp Genetics (formerly Invitae), Labcorp
Classification: Uncertain significance. Last evaluated: 2025-08-13. Review status: criteria provided, single submitter. Criteria: Invitae Variant Classification Sherloc (09022015). Collection method: clinical testing. Allele origin: germline.
Comment: This sequence change replaces methionine, which is neutral and non-polar, with arginine, which is basic and polar, at codon 92 of the KCNH1 protein (p.Met92Arg). This variant is present in population databases (no rsID available, gnomAD 0.007%). This variant has not been reported in the literature in individuals affected with KCNH1-related conditions. ClinVar contains an entry for this variant (Variation ID: 1523837). Invitae Evidence Modeling of protein sequence and biophysical properties (such as structural, functional, and spatial information, amino acid conservation, physicochemical variation, residue mobility, and thermodynamic stability) has been performed for this missense variant. However, the output from this modeling did not meet the statistical confidence thresholds required to predict the impact of this variant on KCNH1 protein function. In summary, the available evidence is currently insufficient to determine the role of this variant in disease. Therefore, it has been classified as a Variant of Uncertain Significance.

Ambry Genetics
Classification: Uncertain significance for Inborn genetic diseases. Last evaluated: 2024-12-30. Review status: criteria provided, single submitter. Criteria: Ambry Variant Classification Scheme 2023. Collection method: clinical testing. Allele origin: germline.

NM_172362.3(KCNH1):c.275T>G (p.Met92Arg)

Gene: KCNH1 (potassium voltage-gated channel subfamily H member 1; minus strand). Cytogenetic location: 1q32.2.
Variant type: single nucleotide variant.
Coding change: c.275T>G on transcript NM_172362.3 (MANE Select); coding-DNA position 275, T replaced by G.
Protein change: p.Met92Arg; replaces methionine 92 with arginine.
Molecular consequence: missense variant.
Genome position (GRCh38, 1-based): chr1:211,103,531, A>C on the plus strand (T>G on the coding strand, the complement: KCNH1 is on the minus strand). VCF-style: chr1-211103531-A-C. GRCh37 (hg19) VCF-style: chr1-211276873-A-C.
Other names: c.275T>G, p.Met92Arg (NM_002238.4); c.275T>G (NM_172362.2); short protein forms M92R.
Identifiers: ClinVar variation 1523837 (VCV001523837.9), dbSNP rs1257176156, ClinGen allele CA344873589.
Genomic context (GRCh38, chr1:211,103,531, plus strand): 5'-GGTTCAGAATGGTCTCAATACTCACTGTTCTTCTTGTACATCAGAATTTCAAAGGAATTC[A>C]TCTCATAGTTCTCAAATGTTTGCCGCACTTTTTCAATCGTGTCTTTATCAGTCAGCTCCC-3'
Protein context (NP_758872.1, residues 82-102): KVRQTFENYE[Met92Arg]NSFEILMYKK